The following is an entry in ClinVar:

NM_001042545.2(LTBP4):c.3775C>T (p.Pro1259Ser)

Gene: LTBP4 (latent transforming growth factor beta binding protein 4; plus strand). Cytogenetic location: 19q13.2.
Variant type: single nucleotide variant.
Coding change: c.3775C>T on transcript NM_001042545.2 (MANE Select); coding-DNA position 3775, C replaced by T.
Protein change: p.Pro1259Ser; replaces proline 1259 with serine.
Molecular consequence: missense variant.
Genome position (GRCh38, 1-based): chr19:40,624,025, C>T. VCF-style: chr19-40624025-C-T. GRCh37 (hg19) VCF-style: chr19-41129930-C-T.
Other names: c.3976C>T, p.Pro1326Ser (NM_001042544.1); c.3865C>T, p.Pro1289Ser (NM_003573.2); short protein forms P1259S, P1289S, P1326S.
Identifiers: ClinVar variation 1990408 (VCV001990408.1), dbSNP rs374216791, ClinGen allele CA9449125.
Genomic context (GRCh38, chr19:40,624,025, plus strand): 5'-GCCTGTGAGGGCGGCCGCTGTGTCAACACTGTGGGCTCTTATCACTGTACCTGCGAGCCC[C>T]CACTGGTGCTGGATGGCTCGCAGCGCCGCTGCGTCTCCAACGAGAGCCAGAGCCTCGGTA-3'
Protein context (NP_001036010.1, residues 1249-1269): VGSYHCTCEP[Pro1259Ser]LVLDGSQRRC

ClinVar aggregate classification (germline): Uncertain significance (1 of 4 stars; one submission).

Allele frequency attached by ClinVar (database versions not stated): gnomAD 0.00001; TOPMed 0.00002; ESP Exome Variant Server 0.00008; ExAC 0.00025.
gnomAD v4.1: 46 of 1,608,142 alleles (0.0029%); highest among the groups gnomAD compares: Admixed American, 0.005%; no homozygotes.

Submission:

Labcorp Genetics (formerly Invitae), Labcorp
Classification: Uncertain significance. Last evaluated: 2022-11-01. Review status: criteria provided, single submitter. Criteria: Invitae Variant Classification Sherloc (09022015). Collection method: clinical testing. Allele origin: germline.
Comment: This sequence change replaces proline, which is neutral and non-polar, with serine, which is neutral and polar, at codon 1289 of the LTBP4 protein (p.Pro1289Ser). This variant is present in population databases (rs374216791, gnomAD 0.02%). This variant has not been reported in the literature in individuals affected with LTBP4-related conditions. Experimental studies and prediction algorithms are not available or were not evaluated, and the functional significance of this variant is currently unknown. In summary, the available evidence is currently insufficient to determine the role of this variant in disease. Therefore, it has been classified as a Variant of Uncertain Significance.